The following is an entry in ClinVar:

ClinVar aggregate classification (germline): Conflicting classifications of pathogenicity. Review status: criteria provided, conflicting classifications (1 of 4 stars). 2 submissions from 2 submitters: Uncertain significance (1); Likely benign (1). Last evaluated 2025-07-22.

gnomAD v4.1: 6 of 1,596,724 alleles (0.00038%); highest among the groups gnomAD compares: South Asian, 0.0045%; no homozygotes.

Submissions (2):

Quest Diagnostics Nichols Institute San Juan Capistrano
Classification: Uncertain significance. Last evaluated: 2025-07-22. Review status: criteria provided, single submitter. Criteria: Quest Diagnostics criteria. Collection method: clinical testing. Allele origin: unknown.
Comment: The GALNT12 c.664G>A (p.Asp222Asn) variant has not been reported in individuals with GALNT12-related conditions in the published literature. The frequency of this variant in the general population (Genome Aggregation Database) is uninformative in the assessment of its pathogenicity. Analysis of this variant using bioinformatics tools for the prediction of the effect of amino acid changes on protein structure and function yielded predictions that this variant is benign. Based on the available information, we are unable to determine the clinical significance of this variant.

Ambry Genetics
Classification: Likely benign. Last evaluated: 2023-11-16. Review status: criteria provided, single submitter. Criteria: Ambry Variant Classification Scheme 2023. Collection method: clinical testing. Allele origin: germline.

NM_024642.5(GALNT12):c.664G>A (p.Asp222Asn)

Gene: GALNT12 (polypeptide N-acetylgalactosaminyltransferase 12; plus strand). Cytogenetic location: 9q22.33.
Variant type: single nucleotide variant.
Coding change: c.664G>A on transcript NM_024642.5 (MANE Select); coding-DNA position 664, G replaced by A.
Protein change: p.Asp222Asn; replaces aspartic acid 222 with asparagine.
Molecular consequence: missense variant.
Genome position (GRCh38, 1-based): chr9:98,826,874, G>A. VCF-style: chr9-98826874-G-A. GRCh37 (hg19) VCF-style: chr9-101589156-G-A.
Other names: short protein forms D222N.
Identifiers: ClinVar variation 3227957 (VCV003227957.2), dbSNP rs947666286, ClinGen allele CA374217628.
Genomic context (GRCh38, chr9:98,826,874, plus strand): 5'-GCCAACAAGAGAGAGGGCCTGGTGCGAGCCCGGCTGCTGGGGGCGTCTGCGGCGAGGGGC[G>A]ATGTTCTGACCTTCCTGGACTGTCACTGTGAGTGCCACGAAGGGTGGCTGGAGCCGCTGC-3'
Protein context (NP_078918.3, residues 212-232): RLLGASAARG[Asp222Asn]VLTFLDCHCE